The following is an entry in ClinVar:

ClinVar aggregate classification (germline): Likely benign (1 of 4 stars; one submission).

gnomAD v4.1: 5 of 1,613,508 alleles (0.00031%); highest among the groups gnomAD compares: Admixed American, 0.005%; no homozygotes.

Submission:

CeGaT Center for Human Genetics Tuebingen
Classification: Likely benign. Last evaluated: 2025-10-01. Review status: criteria provided, single submitter. Criteria: CeGaT Center For Human Genetics Tuebingen Variant Classification Criteria Version 2. Collection method: clinical testing. Allele origin: germline. Affected: yes. Observed: 1 variant allele.
Comment: JARID2: BP4, BP7

NM_004973.4(JARID2):c.1986T>A (p.Ile662=)

Gene: JARID2 (jumonji and AT-rich interaction domain containing 2; plus strand). Cytogenetic location: 6p22.3.
Variant type: single nucleotide variant.
Coding change: c.1986T>A on transcript NM_004973.4 (MANE Select); coding-DNA position 1986, T replaced by A.
Protein change: p.Ile662=; no amino-acid change (isoleucine 662 retained).
Molecular consequence: synonymous variant.
Genome position (GRCh38, 1-based): chr6:15,500,947, T>A. VCF-style: chr6-15500947-T-A. GRCh37 (hg19) VCF-style: chr6-15501178-T-A.
Other names: c.1470T>A, p.Ile490= (NM_001267040.1).
Identifiers: ClinVar variation 4534989 (VCV004534989.6).